The following is an entry in ClinVar:

NM_000238.4(KCNH2):c.2121C>T (p.Tyr707=)

Gene: KCNH2 (potassium voltage-gated channel subfamily H member 2; minus strand). Cytogenetic location: 7q36.1.
Variant type: single nucleotide variant.
Coding change: c.2121C>T on transcript NM_000238.4 (MANE Select); coding-DNA position 2121, C replaced by T.
Protein change: p.Tyr707=; no amino-acid change (tyrosine 707 retained).
Molecular consequence: synonymous variant. On other transcripts: non-coding transcript variant (2).
Genome position (GRCh38, 1-based): chr7:150,950,945, G>A on the plus strand (C>T on the coding strand, the complement: KCNH2 is on the minus strand). VCF-style: chr7-150950945-G-A. GRCh37 (hg19) VCF-style: chr7-150648033-G-A.
Other names: c.1101C>T, p.Tyr367= (NM_001204798.2, NM_172057.3); c.1833C>T, p.Tyr611= (NM_001406753.1, NM_001406756.1); c.1944C>T, p.Tyr648= (NM_001406755.1); c.1821C>T, p.Tyr607= (NM_001406757.1); c.2121C>T, p.Tyr707= (NM_172056.3).
Identifiers: ClinVar variation 1171420 (VCV001171420.13), dbSNP rs1307528282, ClinGen allele CA458645338.

ClinVar aggregate classification (germline): Likely benign. Review status: criteria provided, multiple submitters, no conflicts (2 of 4 stars). 3 submissions from 3 submitters: Likely benign (3). Last evaluated 2023-11-12.

Conditions:
Cardiac arrhythmia. Also called: Arrhythmia; Cardiac rhythm disease. Identifiers: MedGen C0003811, MONDO:0007263, HP:0011675.
Long QT syndrome (LQTS). Identifiers: MedGen C0023976, MeSH D008133, MONDO:0002442. Disease mechanism: loss of function. Inheritance: Various modes of inheritance.

Allele frequency attached by ClinVar (database versions not stated): gnomAD exomes below 0.00001 and 0.00001; TOPMed below 0.00001.
gnomAD v4.1: 2 of 1,614,226 alleles (0.00012%); highest among the groups gnomAD compares: Admixed American, 0.0017%; no homozygotes.

Submissions (3):

Labcorp Genetics (formerly Invitae), Labcorp
Classification: Likely benign for Long QT syndrome. Last evaluated: 2023-11-12. Review status: criteria provided, single submitter. Criteria: Invitae Variant Classification Sherloc (09022015). Collection method: clinical testing. Allele origin: germline.

All of Us Research Program, National Institutes of Health
Classification: Likely benign for Long QT syndrome. Last evaluated: 2023-06-26. Review status: criteria provided, single submitter. Criteria: ACMG Guidelines, 2015. Collection method: clinical testing. Allele origin: germline. Inheritance: Autosomal dominant inheritance. Observed: 1 variant allele, 1 heterozygote.
Comment: This study involves interpretation of variants in research participants for the purpose of population health screening. Participant phenotype was not available at the time of variant classification. Additional details can be found in publication PMID: 35346344, PMCID: PMC8962531

Color Diagnostics, LLC DBA Color Health
Classification: Likely benign for Cardiac arrhythmia. Last evaluated: 2020-09-03. Review status: criteria provided, single submitter. Criteria: ACMG Guidelines, 2015. Collection method: clinical testing. Allele origin: germline.